The following is an entry in ClinVar:

NM_001009944.3(PKD1):c.11942C>T (p.Ala3981Val)

Gene: PKD1 (polycystin 1, transient receptor potential channel interacting; minus strand). Cytogenetic location: 16p13.3.
Variant type: single nucleotide variant.
Coding change: c.11942C>T on transcript NM_001009944.3 (MANE Select); coding-DNA position 11942, C replaced by T.
Protein change: p.Ala3981Val; replaces alanine 3981 with valine.
Molecular consequence: missense variant.
Genome position (GRCh38, 1-based): chr16:2,090,945, G>A on the plus strand (C>T on the coding strand, the complement: PKD1 is on the minus strand). VCF-style: chr16-2090945-G-A. GRCh37 (hg19) VCF-style: chr16-2140946-G-A.
Other names: c.11939C>T, p.Ala3980Val (NM_000296.4); short protein forms A3980V, A3981V.
Identifiers: ClinVar variation 1310931 (VCV001310931.25), dbSNP rs1424119004, ClinGen allele CA394328918.
Genomic context (GRCh38, chr16:2,090,945, plus strand): 5'-TTGACCAAAAGCAGGAAGAGCAGCGAGGCCGCCAGGCCACGGGCTGCGGAGCTCAGCTGC[G>A]CCACCTGGTCGAAGCTAGTGAAGCGGCGCGGGCGGCCGCGCACGAAACGGGTCCACTGGC-3'
Protein context (NP_001009944.3, residues 3971-3991): PRRFTSFDQV[Ala3981Val]QLSSAARGLA

ClinVar aggregate classification (germline): Uncertain significance. Review status: criteria provided, multiple submitters, no conflicts (2 of 4 stars). 3 submissions from 3 submitters: Uncertain significance (3). Last evaluated 2024-01-01.

Conditions:
Polycystic kidney disease, adult type (PKD1). Also called: Polycystic Kidney, Autosomal Dominant; POLYCYSTIC KIDNEY DISEASE 1 WITH OR WITHOUT POLYCYSTIC LIVER DISEASE; Polycystic Kidney Disease 1, Autosomal Dominant; Polycystic kidney disease 1; Polycystic kidney disease 1, severe; POLYCYSTIC KIDNEY DISEASE, ADULT, TYPE I. Identifiers: MedGen C3149841, MONDO:0008263, OMIM 173900.

Allele frequency attached by ClinVar (database versions not stated): TOPMed below 0.00001; gnomAD 0.00001; gnomAD exomes 0.00001.
gnomAD v4.1: 14 of 1,567,718 alleles (0.00089%); highest among the groups gnomAD compares: East Asian, 0.0023%; no homozygotes.

Submissions (3):

CeGaT Center for Human Genetics Tuebingen
Classification: Uncertain significance. Last evaluated: 2024-01-01. Review status: criteria provided, single submitter. Criteria: CeGaT Center For Human Genetics Tuebingen Variant Classification Criteria Version 2. Collection method: clinical testing. Allele origin: germline. Affected: yes. Observed: 1 variant allele.

Fulgent Genetics
Classification: Uncertain significance for Polycystic kidney disease, adult type. Last evaluated: 2021-08-06. Review status: criteria provided, single submitter. Criteria: ACMG Guidelines, 2015. Collection method: clinical testing. Allele origin: unknown.

GeneDx
Classification: Uncertain significance. Last evaluated: 2019-12-27. Review status: criteria provided, single submitter. Criteria: GeneDx Variant Classification Process June 2021. Collection method: clinical testing. Allele origin: germline. Affected: yes.
Comment: Not observed at a significant frequency in large population cohorts (Lek et al., 2016); In silico analysis, which includes protein predictors and evolutionary conservation, supports a deleterious effect; Has not been previously published as pathogenic or benign to our knowledge